The following is an entry in ClinVar:

ClinVar aggregate classification (germline): Likely benign. Review status: criteria provided, multiple submitters, no conflicts (2 of 4 stars). 2 submissions from 2 submitters: Likely benign (2). Last evaluated 2025-06-23.

Conditions:
MC3R-related disorder. Also called: MC3R-related condition.

Allele frequency attached by ClinVar (database versions not stated): ESP Exome Variant Server 0.00008.

Submissions (2):

Labcorp Genetics (formerly Invitae), Labcorp
Classification: Likely benign. Last evaluated: 2025-06-23. Review status: criteria provided, single submitter. Criteria: Invitae Variant Classification Sherloc (09022015). Collection method: clinical testing. Allele origin: germline.

PreventionGenetics, part of Exact Sciences
Classification: Likely benign for MC3R-related condition. Last evaluated: 2025-05-07. Review status: criteria provided, single submitter. Criteria: ACMG Guidelines, 2015. Collection method: clinical testing. Allele origin: germline.
Comment: This variant is classified as likely benign based on ACMG/AMP sequence variant interpretation guidelines (Richards et al. 2015 PMID: 25741868, with internal and published modifications).

NM_019888.3(MC3R):c.429C>T (p.Tyr143=)

Gene: MC3R (melanocortin 3 receptor; plus strand). Cytogenetic location: 20q13.2.
Variant type: single nucleotide variant.
Coding change: c.429C>T on transcript NM_019888.3 (MANE Select); coding-DNA position 429, C replaced by T.
Protein change: p.Tyr143=; no amino-acid change (tyrosine 143 retained).
Molecular consequence: synonymous variant.
Genome position (GRCh38, 1-based): chr20:56,249,272, C>T. VCF-style: chr20-56249272-C-T. GRCh37 (hg19) VCF-style: chr20-54824328-C-T.
Identifiers: ClinVar variation 2189470 (VCV002189470.5), dbSNP rs148382606, ClinGen allele CA9917003.